The following is an entry in ClinVar:

ClinVar aggregate classification (germline): Uncertain significance (1 of 4 stars; one submission).

gnomAD v4.1: 4 of 1,208,761 alleles (0.00033%); highest among the groups gnomAD compares: South Asian, 0.0018%; no homozygotes.

Submission:

Labcorp Genetics (formerly Invitae), Labcorp
Classification: Uncertain significance. Last evaluated: 2025-04-28. Review status: criteria provided, single submitter. Criteria: Invitae Variant Classification Sherloc (09022015). Collection method: clinical testing. Allele origin: germline.
Comment: This sequence change replaces arginine, which is basic and polar, with tryptophan, which is neutral and slightly polar, at codon 32 of the CHM protein (p.Arg32Trp). This variant is present in population databases (no rsID available, gnomAD 0.008%). This variant has not been reported in the literature in individuals affected with CHM-related conditions. Invitae Evidence Modeling of protein sequence and biophysical properties (such as structural, functional, and spatial information, amino acid conservation, physicochemical variation, residue mobility, and thermodynamic stability) indicates that this missense variant is not expected to disrupt CHM protein function with a negative predictive value of 80%. In summary, the available evidence is currently insufficient to determine the role of this variant in disease. Therefore, it has been classified as a Variant of Uncertain Significance.

NM_000390.4(CHM):c.94C>T (p.Arg32Trp)

Gene: CHM (CHM Rab escort protein; minus strand). Cytogenetic location: Xq21.2.
Variant type: single nucleotide variant.
Coding change: c.94C>T on transcript NM_000390.4 (MANE Select); coding-DNA position 94, C replaced by T.
Protein change: p.Arg32Trp; replaces arginine 32 with tryptophan.
Molecular consequence: missense variant. On other transcripts: 5 prime UTR variant (4).
Genome position (GRCh38, 1-based): chrX:86,027,513, G>A on the plus strand (C>T on the coding strand, the complement: CHM is on the minus strand). VCF-style: chrX-86027513-G-A. GRCh37 (hg19) VCF-style: chrX-85282517-G-A.
Other names: c.94C>T, p.Arg32Trp (NM_001145414.4); c.-351C>T (NM_001320959.1, NM_001362517.1); c.-347C>T (NM_001362518.2, NM_001362519.1); short protein forms R32W.
Identifiers: ClinVar variation 4739534 (VCV004739534.1).